The following is an entry in ClinVar:

NM_001378454.1(ALMS1):c.12103G>A (p.Ala4035Thr)

Genes: ALMS1 (ALMS1 centrosome and basal body associated protein; plus strand), LOC126806252 (BRD4-independent group 4 enhancer GRCh37_chr2:73828496-73829695; plus strand). Cytogenetic location: 2p13.1.
Variant type: single nucleotide variant.
Coding change: c.12103G>A on transcript NM_001378454.1 (MANE Select); coding-DNA position 12103, G replaced by A.
Protein change: p.Ala4035Thr; replaces alanine 4035 with threonine.
Molecular consequence: missense variant.
Genome position (GRCh38, 1-based): chr2:73,601,425, G>A. VCF-style: chr2-73601425-G-A. GRCh37 (hg19) VCF-style: chr2-73828552-G-A.
Other names: c.12106G>A, p.Ala4036Thr (NM_015120.4); short protein forms A4035T, A4036T.
Identifiers: ClinVar variation 916711 (VCV000916711.9), dbSNP rs757364858, ClinGen allele CA1715425.

ClinVar aggregate classification (germline): Conflicting classifications of pathogenicity. Review status: criteria provided, conflicting classifications (1 of 4 stars). 6 submissions from 6 submitters: Likely risk allele (1); Uncertain significance (3); Likely benign (1). 1 of the submissions does not count toward it. Last evaluated 2026-01-29.

Conditions:
Monogenic diabetes. Identifiers: Orphanet 183625, MedGen C3888631, MONDO:0015967.
Alstrom syndrome (ALMS). Identifiers: Orphanet 64, MedGen C0268425, MONDO:0008763, OMIM 203800.

Allele frequency attached by ClinVar (database versions not stated): ExAC 0.00005; gnomAD exomes 0.00002 and 0.00004; TOPMed 0.00005; gnomAD 0.00006.
gnomAD v4.1: 33 of 1,613,938 alleles (0.002%); highest among the groups gnomAD compares: African/African-American, 0.004%; no homozygotes.

Submissions (6):

GeneDx
Classification: Uncertain significance. Last evaluated: 2026-01-29. Review status: criteria provided, single submitter. Criteria: GeneDx Variant Classification Process June 2021. Collection method: clinical testing. Allele origin: germline.
Comment: Not observed at significant frequency in large population cohorts (gnomAD); In silico analysis suggests that this missense variant does not alter protein structure/function; Has not been previously published as pathogenic or benign to our knowledge

Labcorp Genetics (formerly Invitae), Labcorp
Classification: Uncertain significance for Alstrom syndrome. Last evaluated: 2022-06-23. Review status: criteria provided, single submitter. Criteria: Invitae Variant Classification Sherloc (09022015). Collection method: clinical testing. Allele origin: germline.
Comment: This sequence change replaces alanine, which is neutral and non-polar, with threonine, which is neutral and polar, at codon 4036 of the ALMS1 protein (p.Ala4036Thr). This variant is present in population databases (rs757364858, gnomAD 0.01%). This variant has not been reported in the literature in individuals affected with ALMS1-related conditions. ClinVar contains an entry for this variant (Variation ID: 916711). Experimental studies and prediction algorithms are not available or were not evaluated, and the functional significance of this variant is currently unknown. In summary, the available evidence is currently insufficient to determine the role of this variant in disease. Therefore, it has been classified as a Variant of Uncertain Significance.

Women's Health and Genetics/Laboratory Corporation of America, LabCorp
Classification: Uncertain significance. Last evaluated: 2021-03-11. Review status: criteria provided, single submitter. Criteria: LabCorp Variant Classification Summary - May 2015. Collection method: clinical testing. Allele origin: germline.
Comment: Variant summary: ALMS1 c.12100G>A (p.Ala4034Thr) results in a non-conservative amino acid change in the encoded protein sequence. Three of five in-silico tools predict a damaging effect of the variant on protein function. The variant allele was found at a frequency of 3.6e-05 in 249478 control chromosomes. The available data on variant occurrences in the general population are insufficient to allow any conclusion about variant significance. To our knowledge, no occurrence of c.12100G>A in individuals affected with Alstrom Syndrome With Dilated Cardiomyopathy and no experimental evidence demonstrating its impact on protein function have been reported. One clinical diagnostic laboratory has submitted clinical-significance assessments for this variant to ClinVar after 2014 without evidence for independent evaluation and classified the variant as likely benign. Based on the evidence outlined above, the variant was classified as uncertain significance.

Personalized Diabetes Medicine Program, University of Maryland School of Medicine
Classification: Likely benign for Monogenic diabetes. Last evaluated: 2019-02-22. Review status: criteria provided, single submitter. Criteria: ACMG Guidelines, 2015. Collection method: research. Allele origin: unknown. Observed: 1 variant allele, 1 heterozygote.
Comment: ACMG criteria: BP4 (REVEL 0.085 + 5 predictors), BP1 = likely benign

Clinical Genomics, Uppaluri K&H Personalized Medicine Clinic
Classification: Likely risk allele for Alstrom syndrome. Review status: criteria provided, single submitter. Criteria: K & H Uppaluri Personalized Medicine Clinic Variant Classification & Assertion Criteria_Updated V.1. Collection method: research. Allele origin: unknown. Inheritance: Autosomal recessive inheritance.
Comment: Potent mutations in ALMS1 are associated with a rare condition called Alstrom syndrome. It can cause excessive eating, insulin resistance. However, no evidence is found to ascertain the role of rs757364858 in Alstrom syndrome yet.

Natera, Inc.
Classification: Uncertain significance for Alstrom syndrome. Last evaluated: 2021-07-21. Review status: no assertion criteria provided. Collection method: clinical testing. Allele origin: germline. Not counted in ClinVar's aggregate classification.

Literature cited by the submitters: PubMed 34148947 (cited by Clinical Genomics, Uppaluri K&H Personalized Medicine Clinic); PubMed 25846608 (cited by Clinical Genomics, Uppaluri K&H Personalized Medicine Clinic); PubMed 30421101 (cited by Clinical Genomics, Uppaluri K&H Personalized Medicine Clinic); PubMed 33669459 (cited by Clinical Genomics, Uppaluri K&H Personalized Medicine Clinic).